The following is an entry in ClinVar:

ClinVar aggregate classification (germline): Pathogenic (1 of 4 stars; one submission).

Conditions:
Early-infantile DEE. Also called: Early infantile epileptic encephalopathy; Ohtahara syndrome; Early infantile epileptic encephalopathy with suppression bursts. Identifiers: Orphanet 1934, MedGen C0393706, MONDO:0800491.

Submission:

Labcorp Genetics (formerly Invitae), Labcorp
Classification: Pathogenic for Early-infantile DEE. Last evaluated: 2021-02-08. Review status: criteria provided, single submitter. Criteria: Invitae Variant Classification Sherloc (09022015). Collection method: clinical testing. Allele origin: germline.
Comment: This variant is not present in population databases (ExAC no frequency). This sequence change results in a frameshift in the KCNQ2 gene (p.Asn780Thrfs*150). While this is not anticipated to result in nonsense mediated decay, it is expected to disrupt the last 93 amino acid(s) of the KCNQ2 protein and extend the protein by 56 additional amino acid residues. This variant has not been reported in the literature in individuals with KCNQ2-related conditions. For these reasons, this variant has been classified as Pathogenic. This variant results in an extension of the KCNQ2 protein. Other variant(s) that result in a similarly extended protein product (p.Thr857Argfs*71) have been determined to be pathogenic (Invitae). This suggests that these extensions are likely to be causative of disease.

NM_172107.4(KCNQ2):c.2339del (p.Asn780fs)

Gene: KCNQ2 (potassium voltage-gated channel subfamily Q member 2; minus strand). Cytogenetic location: 20q13.33.
Variant type: Deletion.
Coding change: c.2339del on transcript NM_172107.4 (MANE Select); coding-DNA position 2339, one base deleted (A; older notation c.2339delA).
Protein change: p.Asn780fs; shifts the reading frame from asparagine 780.
Molecular consequence: frameshift variant.
Genome position (GRCh38, 1-based): chr20:63,406,924, T deleted on the plus strand (A on the coding strand, the reverse complement: KCNQ2 is on the minus strand); the first of 2 consecutive T bases (chr20:63,406,924-63,406,925); deleting either gives the same sequence. VCF-style (leftmost placement, unchanged base first): chr20-63406923-GT-G. GRCh37 (hg19) VCF-style: chr20-62038276-GT-G.
Other names: c.2393del, p.Asn798fs (NM_001382235.1); c.2255del, p.Asn752fs (NM_004518.6); c.2285del, p.Asn762fs (NM_172106.3); c.2246del, p.Asn749fs (NM_172108.5); short protein forms N752fs, N762fs, N780fs, N749fs, N798fs.
Identifiers: ClinVar variation 1453479 (VCV001453479.9), dbSNP rs2145484269, ClinGen allele CA2573157290.